The following is an entry in ClinVar:

NM_021098.3(CACNA1H):c.6710_6727dup (p.Gly2242_Asp2243insGlySerGlyAlaGlyGly)

Gene: CACNA1H (calcium voltage-gated channel subunit alpha1 H; plus strand). Cytogenetic location: 16p13.3.
Variant type: Duplication.
Coding change: c.6710_6727dup on transcript NM_021098.3 (MANE Select); coding-DNA positions 6710 to 6727, 18 bases duplicated (GCTCAGGCGCCGGGGGGG).
Protein change: p.Gly2242_Asp2243insGlySerGlyAlaGlyGly.
Molecular consequence: inframe insertion.
Genome position (GRCh38, 1-based): chr16:1,220,642-1,220,659, GCTCAGGCGCCGGGGGGG duplicated; duplicating any 18 consecutive bases within chr16:1,220,640-1,220,659 gives the same sequence; the c. name uses the placement nearest the transcript's 3' end. VCF-style (leftmost placement, unchanged base first): chr16-1220639-A-AGGGCTCAGGCGCCGGGGG. GRCh37 (hg19) VCF-style: chr16-1270639-A-AGGGCTCAGGCGCCGGGGG.
Other names: c.6692_6709dup, p.Gly2236_Asp2237insGlySerGlyAlaGlyGly (NM_001005407.2).
Identifiers: ClinVar variation 3754886 (VCV003754886.2).

ClinVar aggregate classification (germline): Uncertain significance (1 of 4 stars; one submission).

Conditions:
Hyperaldosteronism, familial, type IV (HALD4). Also called: FH IV; ALDOSTERONISM, PRIMARY, AND HYPERTENSION. Identifiers: Orphanet 642671, MedGen C4310756, MONDO:0014875, OMIM 617027.
Idiopathic generalized epilepsy. Also called: EIG; Generalised epilepsy. Identifiers: MedGen C0270850, MONDO:0005579, OMIM 600669.

Submission:

Labcorp Genetics (formerly Invitae), Labcorp
Classification: Uncertain significance for Idiopathic generalized epilepsy; Hyperaldosteronism, familial, type IV. Last evaluated: 2024-02-23. Review status: criteria provided, single submitter. Criteria: Invitae Variant Classification Sherloc (09022015). Collection method: clinical testing. Allele origin: germline.
Comment: This variant, c.6710_6727dup, results in the insertion of 6 amino acid(s) of the CACNA1H protein (p.Gly2237_Gly2242dup), but otherwise preserves the integrity of the reading frame. This variant is not present in population databases (gnomAD no frequency). This variant has not been reported in the literature in individuals affected with CACNA1H-related conditions. In summary, the available evidence is currently insufficient to determine the role of this variant in disease. Therefore, it has been classified as a Variant of Uncertain Significance.